The following is an entry in ClinVar:

NM_194248.3(OTOF):c.3480C>T (p.Ile1160=)

Gene: OTOF (otoferlin; minus strand). Cytogenetic location: 2p23.3.
Variant type: single nucleotide variant.
Coding change: c.3480C>T on transcript NM_194248.3 (MANE Select); coding-DNA position 3480, C replaced by T.
Protein change: p.Ile1160=; no amino-acid change (isoleucine 1160 retained).
Molecular consequence: synonymous variant.
Genome position (GRCh38, 1-based): chr2:26,473,496, G>A on the plus strand (C>T on the coding strand, the complement: OTOF is on the minus strand). VCF-style: chr2-26473496-G-A. GRCh37 (hg19) VCF-style: chr2-26696364-G-A.
Other names: c.3480C>T, p.Ile1160= (NM_001287489.2); c.1239C>T, p.Ile413= (NM_004802.4, NM_194323.3); c.1410C>T, p.Ile470= (NM_194322.3).
Identifiers: ClinVar variation 48216 (VCV000048216.14), dbSNP rs375349663, ClinGen allele CA142852.

ClinVar aggregate classification (germline): Likely benign. Review status: criteria provided, multiple submitters, no conflicts (2 of 4 stars). 3 submissions from 3 submitters: Likely benign (3). Last evaluated 2026-04-01.

Allele frequency attached by ClinVar (database versions not stated): gnomAD exomes 0.00001 and 0.00002; ExAC 0.00002; gnomAD 0.00005 and 0.00006; TOPMed 0.00005; ESP Exome Variant Server 0.00015.
gnomAD v4.1: 22 of 1,612,856 alleles (0.0014%); highest among the groups gnomAD compares: African/African-American, 0.02%; no homozygotes.

Submissions (3):

CeGaT Center for Human Genetics Tuebingen
Classification: Likely benign. Last evaluated: 2026-04-01. Review status: criteria provided, single submitter. Criteria: CeGaT Center For Human Genetics Tuebingen Variant Classification Criteria Version 2. Collection method: clinical testing. Allele origin: germline. Affected: yes. Observed: 1 variant allele.
Comment: OTOF: BP4, BP7

Labcorp Genetics (formerly Invitae), Labcorp
Classification: Likely benign. Last evaluated: 2025-11-04. Review status: criteria provided, single submitter. Criteria: Invitae Variant Classification Sherloc (09022015). Collection method: clinical testing. Allele origin: germline.

Laboratory for Molecular Medicine, Mass General Brigham Personalized Medicine
Classification: Likely benign. Last evaluated: 2012-04-30. Review status: criteria provided, single submitter. Criteria: LMM Criteria. Collection method: clinical testing. Allele origin: germline. Observed: 1 variant allele.
Comment: Ile1160Ile in Exon 28 of OTOF: This variant is not expected to have clinical sig nificance because it does not alter an amino acid residue, is not located within the splice consensus sequence, and has been identified in 1/3738 African Americ an chromosomes from a broad population by the NHLBI Exome Sequencing Project.